The following is an entry in ClinVar:

ClinVar aggregate classification (germline): Pathogenic (1 of 4 stars; one submission).

Allele frequency attached by ClinVar (database versions not stated): gnomAD exomes below 0.00001.
gnomAD v4.1: 2 of 1,610,726 alleles (0.00012%); highest among the groups gnomAD compares: Non-Finnish European, 0.00017%; no homozygotes.

Submission:

Labcorp Genetics (formerly Invitae), Labcorp
Classification: Pathogenic. Last evaluated: 2021-04-30. Review status: criteria provided, single submitter. Criteria: Invitae Variant Classification Sherloc (09022015). Collection method: clinical testing. Allele origin: germline.
Comment: For these reasons, this variant has been classified as Pathogenic. This variant has been observed in individual(s) with MUT-related conditions (PMID: 26830710). This variant is not present in population databases (ExAC no frequency). This sequence change creates a premature translational stop signal (p.Glu564*) in the MUT gene. It is expected to result in an absent or disrupted protein product. Loss-of-function variants in MUT are known to be pathogenic (PMID: 15781192).

Literature cited by the submitters: PubMed 26830710; PubMed 15781192.

NM_000255.4(MMUT):c.1690G>T (p.Glu564Ter)

Gene: MMUT (methylmalonyl-CoA mutase; minus strand). Cytogenetic location: 6p12.3.
Variant type: single nucleotide variant.
Coding change: c.1690G>T on transcript NM_000255.4 (MANE Select); coding-DNA position 1690, G replaced by T.
Protein change: p.Glu564Ter; replaces glutamic acid 564 with a stop codon.
Molecular consequence: nonsense.
Genome position (GRCh38, 1-based): chr6:49,441,958, C>A on the plus strand (G>T on the coding strand, the complement: MMUT is on the minus strand). VCF-style: chr6-49441958-C-A. GRCh37 (hg19) VCF-style: chr6-49409671-C-A.
Other names: short protein forms E564*.
Identifiers: ClinVar variation 1458956 (VCV001458956.8), dbSNP rs1391177886, ClinGen allele CA364396133.